The following is an entry in ClinVar:

ClinVar aggregate classification (germline): Uncertain significance (1 of 4 stars; one submission).

Conditions:
Baller-Gerold syndrome (BGS). Also called: CRANIOSYNOSTOSIS WITH RADIAL DEFECTS. Identifiers: Orphanet 1225, MedGen C0265308, MONDO:0009039, OMIM 218600.

Allele frequency attached by ClinVar (database versions not stated): gnomAD exomes below 0.00001; gnomAD 0.00001.
gnomAD v4.1: 5 of 1,612,760 alleles (0.00031%); highest among the groups gnomAD compares: Admixed American, 0.0017%; no homozygotes.

Submission:

Labcorp Genetics (formerly Invitae), Labcorp
Classification: Uncertain significance for Baller-Gerold syndrome. Last evaluated: 2023-05-01. Review status: criteria provided, single submitter. Criteria: Invitae Variant Classification Sherloc (09022015). Collection method: clinical testing. Allele origin: germline.
Comment: This sequence change replaces alanine, which is neutral and non-polar, with threonine, which is neutral and polar, at codon 378 of the RECQL4 protein (p.Ala378Thr). In summary, the available evidence is currently insufficient to determine the role of this variant in disease. Therefore, it has been classified as a Variant of Uncertain Significance. RNA analysis performed to evaluate the impact of this missense change on mRNA splicing indicates it does not significantly alter splicing (Invitae). Algorithms developed to predict the effect of missense changes on protein structure and function output the following: SIFT: "Not Available"; PolyPhen-2: "Not Available"; Align-GVGD: "Not Available". The threonine amino acid residue is found in multiple mammalian species, which suggests that this missense change does not adversely affect protein function. This variant has not been reported in the literature in individuals affected with RECQL4-related conditions. This variant is present in population databases (rs776811529, gnomAD 0.003%).

NM_004260.4(RECQL4):c.1132G>A (p.Ala378Thr)

Gene: RECQL4 (RecQ like helicase 4; minus strand). Cytogenetic location: 8q24.3.
Variant type: single nucleotide variant.
Coding change: c.1132G>A on transcript NM_004260.4 (MANE Select); coding-DNA position 1132, G replaced by A.
Protein change: p.Ala378Thr; replaces alanine 378 with threonine.
Molecular consequence: missense variant. On other transcripts: 5 prime UTR variant (5), non-coding transcript variant (3), intron variant (1).
Genome position (GRCh38, 1-based): chr8:144,515,890, C>T on the plus strand (G>A on the coding strand, the complement: RECQL4 is on the minus strand). VCF-style: chr8-144515890-C-T. GRCh37 (hg19) VCF-style: chr8-145741274-C-T.
Other names: c.1036G>A, p.Ala346Thr (NM_001413017.1, NM_001413020.1); c.1132G>A, p.Ala378Thr (NM_001413018.1, NM_001413019.1, NM_001413033.1 and 2 more transcripts); c.61G>A, p.Ala21Thr (NM_001413021.1, NM_001413022.1, NM_001413023.1 and 8 more transcripts); c.1003G>A, p.Ala335Thr (NM_001413025.1); c.-2G>A (NM_001413027.1, NM_001413030.1, NM_001413031.1 and 2 more transcripts); c.781G>A, p.Ala261Thr (NM_001413029.1); c.-210+98G>A (NM_001413043.1); short protein forms A335T, A378T, A21T, A261T, A346T.
Identifiers: ClinVar variation 2739635 (VCV002739635.3), dbSNP rs776811529, ClinGen allele CA187688055.
Genomic context (GRCh38, chr8:144,515,890, plus strand): 5'-TGACTGTGGCACCACCACCCCCAAAACACTCCCCTTTCTTCCGCCACTTCTGCTTCCATG[C>T]CTGGGGGGTGCCCACATAGGAGGGTCACTGGGCGGGAAATACGGGAGGGCTGAGGGGAGG-3'
Protein context (NP_004251.4, residues 368-388): ALRSRLLRKQ[Ala378Thr]WKQKWRKKGE